The following is an entry in ClinVar:

ClinVar aggregate classification (germline): Likely benign. Review status: criteria provided, multiple submitters, no conflicts (2 of 4 stars). 2 submissions from 2 submitters: Likely benign (2). Last evaluated 2026-06-01.

Allele frequency attached by ClinVar (database versions not stated): ExAC 0.00001; TOPMed 0.00002; gnomAD 0.00003; gnomAD exomes 0.00004.
gnomAD v4.1: 62 of 1,613,670 alleles (0.0038%); highest among the groups gnomAD compares: Non-Finnish European, 0.0048%; no homozygotes.

Submissions (2):

CeGaT Center for Human Genetics Tuebingen
Classification: Likely benign. Last evaluated: 2026-06-01. Review status: criteria provided, single submitter. Criteria: CeGaT Center For Human Genetics Tuebingen Variant Classification Criteria Version 2. Collection method: clinical testing. Allele origin: germline. Affected: yes. Observed: 1 variant allele.
Comment: AEBP1: BP4, BP7

Labcorp Genetics (formerly Invitae), Labcorp
Classification: Likely benign. Last evaluated: 2025-04-10. Review status: criteria provided, single submitter. Criteria: Invitae Variant Classification Sherloc (09022015). Collection method: clinical testing. Allele origin: germline.

NM_001129.5(AEBP1):c.2868C>T (p.His956=)

Gene: AEBP1 (AE binding protein 1; plus strand). Cytogenetic location: 7p13.
Variant type: single nucleotide variant.
Coding change: c.2868C>T on transcript NM_001129.5 (MANE Select); coding-DNA position 2868, C replaced by T.
Protein change: p.His956=; no amino-acid change (histidine 956 retained).
Molecular consequence: synonymous variant.
Genome position (GRCh38, 1-based): chr7:44,113,652, C>T. VCF-style: chr7-44113652-C-T. GRCh37 (hg19) VCF-style: chr7-44153251-C-T.
Identifiers: ClinVar variation 2990586 (VCV002990586.5), dbSNP rs750744382, ClinGen allele CA4238351.
Genomic context (GRCh38, chr7:44,113,652, plus strand): 5'-AGCCAGTGGTGGTGATTACTGGCGAATCTTGAACCCGGGTGAGTACCGCGTGACAGCCCA[C>T]GCGGAGGGCTACACCCCGAGCGCCAAGACCTGCAATGTTGACTATGACATCGGGGCCACT-3'
Protein context (NP_001120.3, residues 946-966): LNPGEYRVTA[His956=]AEGYTPSAKT